The following is an entry in ClinVar:

NM_001244008.2(KIF1A):c.721-11dup

Gene: KIF1A (kinesin family member 1A; minus strand). Cytogenetic location: 2q37.3.
Variant type: Duplication.
Coding change: c.721-11dup on transcript NM_001244008.2 (MANE Select); 11 bases into the intron before coding-DNA position 721, one base duplicated (T; older notation c.721-11dupT).
Molecular consequence: intron variant.
Genome position (GRCh38, 1-based): chr2:240,783,827, A duplicated on the plus strand (T on the coding strand, the reverse complement: KIF1A is on the minus strand). VCF-style (leftmost placement, unchanged base first): chr2-240783826-T-TA. GRCh37 (hg19) VCF-style: chr2-241723243-T-TA.
Other names: c.721-11dup (NM_001379653.1, NM_001379650.1, NM_001379645.1 and 20 more transcripts).
Identifiers: ClinVar variation 1594887 (VCV001594887.10), dbSNP rs2054377646, ClinGen allele CA1339288921.
Genomic context (GRCh38, chr2:240,783,826, plus strand): 5'-GGAGTCAGCCCGCTCGCTCCCAGCCAGGTCCACCAGGCTGATTTTGCTCACCTGAAACAG[T>TA]AGATACATCACATGCAGGAAAGGCCACAAGATGCGCGGGGGCATCCCAGGACCCCTGGGC-3'

ClinVar aggregate classification (germline): Conflicting classifications of pathogenicity. Review status: criteria provided, conflicting classifications (1 of 4 stars). 2 submissions from 2 submitters: Uncertain significance (1); Likely benign (1). Last evaluated 2025-05-26.

Conditions:
Hereditary spastic paraplegia 30. Identifiers: Orphanet 101010, MedGen C5235139, MONDO:0012476.
Neuropathy, hereditary sensory, type 2C. Also called: Hereditary sensory and autonomic neuropathy type IIC; KIF1A-Related HSAN2 (HSAN2C). Identifiers: Orphanet 970, MedGen C3280168, MONDO:0013634, OMIM 614213.
Intellectual disability, autosomal dominant 9 (NESCAVS). Also called: KIF1A-Related Neurodevelopmental Disorder; NESCAV SYNDROME. Identifiers: Orphanet 662367, MedGen C5393830, MONDO:0013656, OMIM 614255.

Allele frequency attached by ClinVar (database versions not stated): gnomAD exomes 0.00001.

Submissions (2):

Labcorp Genetics (formerly Invitae), Labcorp
Classification: Likely benign for Hereditary spastic paraplegia 30; Neuropathy, hereditary sensory, type 2C; Intellectual disability, autosomal dominant 9. Last evaluated: 2025-05-26. Review status: criteria provided, single submitter. Criteria: Invitae Variant Classification Sherloc (09022015). Collection method: clinical testing. Allele origin: germline.

GeneDx
Classification: Uncertain significance. Last evaluated: 2024-06-12. Review status: criteria provided, single submitter. Criteria: GeneDx Variant Classification Process June 2021. Collection method: clinical testing. Allele origin: germline.
Comment: Not observed at significant frequency in large population cohorts (gnomAD); In silico analysis indicates that this variant does not alter splicing; Has not been previously published as pathogenic or benign to our knowledge